The following is an entry in ClinVar:

NM_016333.4(SRRM2):c.8224C>T (p.Arg2742Trp)

Gene: SRRM2 (serine/arginine repetitive matrix 2; plus strand). Cytogenetic location: 16p13.3.
Variant type: single nucleotide variant.
Coding change: c.8224C>T on transcript NM_016333.4 (MANE Select); coding-DNA position 8224, C replaced by T.
Protein change: p.Arg2742Trp; replaces arginine 2742 with tryptophan.
Molecular consequence: missense variant.
Genome position (GRCh38, 1-based): chr16:2,770,692, C>T. VCF-style: chr16-2770692-C-T. GRCh37 (hg19) VCF-style: chr16-2820693-C-T.
Other names: short protein forms R2742W.
Identifiers: ClinVar variation 5039552 (VCV005039552.1).
Genomic context (GRCh38, chr16:2,770,692, plus strand): 5'-GGCCAGCGTGGGGACAGCCGCTCCCCCAGCCACAAGCGCAGGAGGGAGACACCTAGCCCT[C>T]GGCCCATGAGACACCGCTCCTCCAGGTGCGTGTCCTGGAAGGCTGATGCCCCCTTCCGGG-3'
Protein context (NP_057417.3, residues 2732-2752): HKRRRETPSP[Arg2742Trp]PMRHRSSRSP

ClinVar aggregate classification (germline): Likely benign (1 of 4 stars; one submission).

gnomAD v4.1: 90 of 1,557,634 alleles (0.0058%); highest among the groups gnomAD compares: Admixed American, 0.015%; no homozygotes.

Submission:

CeGaT Center for Human Genetics Tuebingen
Classification: Likely benign. Last evaluated: 2026-07-01. Review status: criteria provided, single submitter. Criteria: CeGaT Center For Human Genetics Tuebingen Variant Classification Criteria Version 2. Collection method: clinical testing. Allele origin: germline. Affected: yes. Observed: 1 variant allele.
Comment: SRRM2: BP4, BS1